The following is an entry in ClinVar:

NM_001723.7(DST):c.5890A>G (p.Thr1964Ala)

Gene: DST (dystonin; minus strand). Cytogenetic location: 6p12.1.
Variant type: single nucleotide variant.
Coding change: c.5890A>G on transcript NM_001723.7 (MANE Plus Clinical); coding-DNA position 5890, A replaced by G.
Protein change: p.Thr1964Ala; replaces threonine 1964 with alanine.
Molecular consequence: missense variant. On other transcripts: intron variant (10).
Genome position (GRCh38, 1-based): chr6:56,618,144, T>C on the plus strand (A>G on the coding strand, the complement: DST is on the minus strand). VCF-style: chr6-56618144-T-C. GRCh37 (hg19) VCF-style: chr6-56482942-T-C.
Other names: c.4831-3660A>G (NM_001144769.5); c.4930-3660A>G (NM_001374722.1, NM_001374736.1); c.4957-3660A>G (NM_001374734.1); c.4417-3660A>G (NM_001144770.2); c.4297-3660A>G (NM_001374730.1, NM_001386100.1, NM_183380.4 and 1 more transcripts); c.3319-3660A>G (NM_015548.5); short protein forms T1964A.
Identifiers: ClinVar variation 1039882 (VCV001039882.9), dbSNP rs2098647351, ClinGen allele CA364566350.

ClinVar aggregate classification (germline): Uncertain significance (1 of 4 stars; one submission).

Conditions:
Hereditary sensory and autonomic neuropathy type 6. Also called: Neuropathy, hereditary sensory and autonomic, type VI; HSAN VI. Identifiers: Orphanet 314381, MedGen C3539003, MONDO:0013839, OMIM 614653.
Epidermolysis bullosa simplex 3, localized or generalized intermediate, with BP230 deficiency (EBS3). Also called: Epidermolysis bullosa simplex, autosomal recessive 2; Epidermolysis bullosa simplex due to BP230 deficiency. Identifiers: Orphanet 412181, MedGen C3809470, MONDO:0014180, OMIM 615425.

Submission:

Labcorp Genetics (formerly Invitae), Labcorp
Classification: Uncertain significance for Epidermolysis bullosa simplex 3, localized or generalized intermediate, with BP230 deficiency; Hereditary sensory and autonomic neuropathy type 6. Last evaluated: 2022-06-20. Review status: criteria provided, single submitter. Criteria: Invitae Variant Classification Sherloc (09022015). Collection method: clinical testing. Allele origin: germline.
Comment: In summary, the available evidence is currently insufficient to determine the role of this variant in disease. Therefore, it has been classified as a Variant of Uncertain Significance. Algorithms developed to predict the effect of missense changes on protein structure and function (SIFT, PolyPhen-2, Align-GVGD) all suggest that this variant is likely to be tolerated. ClinVar contains an entry for this variant (Variation ID: 1039882). This variant has not been reported in the literature in individuals affected with DST-related conditions. This variant is not present in population databases (gnomAD no frequency). This sequence change replaces threonine, which is neutral and polar, with alanine, which is neutral and non-polar, at codon 1964 of the DST protein (p.Thr1964Ala).